The following is an entry in ClinVar:

NM_014679.5(CEP57):c.530A>G (p.His177Arg)

Gene: CEP57 (centrosomal protein 57; plus strand). Cytogenetic location: 11q21.
Variant type: single nucleotide variant.
Coding change: c.530A>G on transcript NM_014679.5 (MANE Select); coding-DNA position 530, A replaced by G.
Protein change: p.His177Arg; replaces histidine 177 with arginine.
Molecular consequence: missense variant. On other transcripts: intron variant (7).
Genome position (GRCh38, 1-based): chr11:95,817,812, A>G. VCF-style: chr11-95817812-A-G. GRCh37 (hg19) VCF-style: chr11-95550976-A-G.
Other names: c.350A>G, p.His117Arg (NM_001440873.1); c.530A>G, p.His177Arg (NM_001440874.1, NM_001243777.2, NM_001440871.1); c.449A>G, p.His150Arg (NM_001440875.1, NM_001363604.2, NM_001440869.1 and 1 more transcripts); c.269A>G, p.His90Arg (NM_001440880.1); c.424-1015A>G (NM_001440877.1, NM_001440878.1); c.505-1015A>G (NM_001440872.1, NM_001440876.1, NM_001440879.1 and 1 more transcripts); c.325-1015A>G (NM_001440881.1); c.503A>G, p.His168Arg (NM_001243776.2); short protein forms H150R, H177R, H168R, H117R, H90R.
Identifiers: ClinVar variation 4613698 (VCV004613698.1).
Genomic context (GRCh38, chr11:95,817,812, plus strand): 5'-CAAATTATCAAGCCGTATTGAATATTGTTTTTCAGGTTTCCCTAGAAAGAGAACGACAAC[A>G]TGATCAAACACATGTTCAGAGCCAACTTGAAAAATTGGATCTTCTTGAACAGGAGTATAA-3'
Protein context (NP_055494.2, residues 167-187): KQVSLERERQ[His177Arg]DQTHVQSQLE

ClinVar aggregate classification (germline): Uncertain significance (1 of 4 stars; one submission).

Conditions:
Inborn genetic diseases. Identifiers: MedGen C0950123, MeSH D030342.

gnomAD v4.1: 1 of 1,613,800 alleles (0.000062%); highest among the groups gnomAD compares: Non-Finnish European, 0.000085%; no homozygotes.

Submission:

Ambry Genetics
Classification: Uncertain significance for Inborn genetic diseases. Last evaluated: 2025-11-23. Review status: criteria provided, single submitter. Criteria: Ambry Variant Classification Scheme 2023. Collection method: clinical testing. Allele origin: germline.
Comment: The p.H177R variant (also known as c.530A>G), located in coding exon 5 of the CEP57 gene, results from an A to G substitution at nucleotide position 530. The histidine at codon 177 is replaced by arginine, an amino acid with highly similar properties. This amino acid position is conserved. In addition, this alteration is predicted to be tolerated by in silico analysis. Based on the available evidence, the clinical significance of this variant remains unclear.